The following is an entry in ClinVar:

ClinVar aggregate classification (germline): Benign (1 of 4 stars; one submission).

Allele frequency attached by ClinVar (database versions not stated): gnomAD exomes 0.00304; 1000 Genomes Project 0.02097; gnomAD 0.02193 and 0.02364; 1000 Genomes Project 30x 0.02233; TOPMed 0.02469.
gnomAD v4.1: 4,437 of 494,480 alleles (0.9%); highest among the groups gnomAD compares: African/African-American, 7.2%; 141 homozygotes.

Submission:

GeneDx
Classification: Benign. Last evaluated: 2018-06-19. Review status: criteria provided, single submitter. Criteria: GeneDx Variant Classification (06012015). Collection method: clinical testing. Allele origin: germline. Affected: yes.
Comment: This variant is considered likely benign or benign based on one or more of the following criteria: it is a conservative change, it occurs at a poorly conserved position in the protein, it is predicted to be benign by multiple in silico algorithms, and/or has population frequency not consistent with disease.

NM_001330260.2(SCN8A):c.2901+277T>C

Gene: SCN8A (sodium voltage-gated channel alpha subunit 8; plus strand). Cytogenetic location: 12q13.13.
Variant type: single nucleotide variant.
Coding change: c.2901+277T>C on transcript NM_001330260.2 (MANE Select); 277 bases into the intron after coding-DNA position 2901, T replaced by C.
Molecular consequence: intron variant.
Genome position (GRCh38, 1-based): chr12:51,766,304, T>C. VCF-style: chr12-51766304-T-C. GRCh37 (hg19) VCF-style: chr12-52160088-T-C.
Other names: c.2901+277T>C (NM_014191.4, NM_001177984.3, NM_001369788.1).
Identifiers: ClinVar variation 669846 (VCV000669846.1), dbSNP rs74091656, ClinGen allele CA236317340.